The following is an entry in ClinVar:

NM_001005242.3(PKP2):c.1675G>A (p.Ala559Thr)

Gene: PKP2 (plakophilin 2; minus strand). Cytogenetic location: 12p11.21.
Variant type: single nucleotide variant.
Coding change: c.1675G>A on transcript NM_001005242.3 (MANE Select); coding-DNA position 1675, G replaced by A.
Protein change: p.Ala559Thr; replaces alanine 559 with threonine.
Molecular consequence: missense variant.
Genome position (GRCh38, 1-based): chr12:32,822,631, C>T on the plus strand (G>A on the coding strand, the complement: PKP2 is on the minus strand). VCF-style: chr12-32822631-C-T. GRCh37 (hg19) VCF-style: chr12-32975565-C-T.
Other names: c.1807G>A, p.Ala603Thr (NM_004572.4); short protein forms A559T, A603T.
Identifiers: ClinVar variation 1364642 (VCV001364642.8), dbSNP rs2137778289, ClinGen allele CA384363699.

ClinVar aggregate classification (germline): Uncertain significance (1 of 4 stars; one submission).

Conditions:
Arrhythmogenic right ventricular dysplasia 9 (ARVD9). Also called: ARRHYTHMOGENIC RIGHT VENTRICULAR DYSPLASIA, FAMILIAL, 9; Arrhythmogenic Right Ventricular Dysplasia/Cardiomyopathy 9. Identifiers: MedGen C1836906, MONDO:0012180, OMIM 609040.

Submission:

Labcorp Genetics (formerly Invitae), Labcorp
Classification: Uncertain significance for Arrhythmogenic right ventricular dysplasia 9. Last evaluated: 2024-10-15. Review status: criteria provided, single submitter. Criteria: Invitae Variant Classification Sherloc (09022015). Collection method: clinical testing. Allele origin: germline.
Comment: This sequence change replaces alanine, which is neutral and non-polar, with threonine, which is neutral and polar, at codon 603 of the PKP2 protein (p.Ala603Thr). This variant is not present in population databases (gnomAD no frequency). This variant has not been reported in the literature in individuals affected with PKP2-related conditions. ClinVar contains an entry for this variant (Variation ID: 1364642). An algorithm developed to predict the effect of missense changes on protein structure and function (PolyPhen-2) suggests that this variant is likely to be disruptive. In summary, the available evidence is currently insufficient to determine the role of this variant in disease. Therefore, it has been classified as a Variant of Uncertain Significance.